The following is an entry in ClinVar:

NM_001364171.2(ODAD1):c.282C>A (p.Asp94Glu)

Gene: ODAD1 (outer dynein arm docking complex subunit 1; minus strand). Cytogenetic location: 19q13.33.
Variant type: single nucleotide variant.
Coding change: c.282C>A on transcript NM_001364171.2 (MANE Select); coding-DNA position 282, C replaced by A.
Protein change: p.Asp94Glu; replaces aspartic acid 94 with glutamic acid.
Molecular consequence: missense variant.
Genome position (GRCh38, 1-based): chr19:48,318,465, G>T on the plus strand (C>A on the coding strand, the complement: ODAD1 is on the minus strand). VCF-style: chr19-48318465-G-T. GRCh37 (hg19) VCF-style: chr19-48821722-G-T.
Other names: c.171C>A, p.Asp57Glu (NM_144577.4); short protein forms D57E, D94E.
Identifiers: ClinVar variation 3726823 (VCV003726823.2).
Genomic context (GRCh38, chr19:48,318,465, plus strand): 5'-GGTCTGCTCCTGCAGCTCCTCGATCTCCGCCTGCACCTGGGCCCGGCCCTTCAGCAGGCG[G>T]TCCATGTTCTCCAGCCGCTGACTGTCCCGAAGCCGCTTGACCTGGTTCTGGGCTGCGCTG-3'
Protein context (NP_001351100.1, residues 84-104): LRDSQRLENM[Asp94Glu]RLLKGRAQVQ

ClinVar aggregate classification (germline): Uncertain significance (1 of 4 stars; one submission).

Conditions:
Primary ciliary dyskinesia. Also called: Ciliary dyskinesia. Identifiers: Orphanet 244, MedGen C0008780, MONDO:0016575, HP:0012265.

Submission:

Labcorp Genetics (formerly Invitae), Labcorp
Classification: Uncertain significance for Primary ciliary dyskinesia. Last evaluated: 2025-01-16. Review status: criteria provided, single submitter. Criteria: Invitae Variant Classification Sherloc (09022015). Collection method: clinical testing. Allele origin: germline.
Comment: This sequence change replaces aspartic acid, which is acidic and polar, with glutamic acid, which is acidic and polar, at codon 57 of the CCDC114 protein (p.Asp57Glu). This variant is not present in population databases (gnomAD no frequency). This variant has not been reported in the literature in individuals affected with CCDC114-related conditions. An algorithm developed to predict the effect of missense changes on protein structure and function outputs the following: PolyPhen-2: "Benign". The glutamic acid amino acid residue is found in multiple mammalian species, which suggests that this missense change does not adversely affect protein function. In summary, the available evidence is currently insufficient to determine the role of this variant in disease. Therefore, it has been classified as a Variant of Uncertain Significance.